The following is an entry in ClinVar:

ClinVar aggregate classification (germline): Benign/Likely benign. Review status: criteria provided, multiple submitters, no conflicts (2 of 4 stars). 4 submissions from 4 submitters: Benign (1); Likely benign (3). Last evaluated 2025-02-20.

Conditions:
Hereditary cancer-predisposing syndrome. Also called: Neoplastic Syndromes, Hereditary; Tumor predisposition; Hereditary Cancer Syndrome; Hereditary neoplastic syndrome. Identifiers: Orphanet 140162, MedGen C0027672, MeSH D009386, MONDO:0015356.
Breast-ovarian cancer, familial, susceptibility to, 4. Identifiers: Orphanet 145, MedGen C3280345, MONDO:0013669, OMIM 614291.

Allele frequency attached by ClinVar (database versions not stated): gnomAD exomes below 0.00001; ExAC 0.00001.

Submissions (4):

Myriad Genetics, Inc.
Classification: Benign for Breast-ovarian cancer, familial, susceptibility to, 4. Last evaluated: 2025-02-20. Review status: criteria provided, single submitter. Criteria: Myriad Autosomal Dominant, Autosomal Recessive and X-Linked Classification Criteria (2023). Collection method: clinical testing. Allele origin: unknown.
Comment: This variant is considered benign. This variant is a silent/synonymous amino acid change and it is not expected to impact splicing.

Labcorp Genetics (formerly Invitae), Labcorp
Classification: Likely benign for Breast-ovarian cancer, familial, susceptibility to, 4. Last evaluated: 2024-05-02. Review status: criteria provided, single submitter. Criteria: Invitae Variant Classification Sherloc (09022015). Collection method: clinical testing. Allele origin: germline.

Color Diagnostics, LLC DBA Color Health
Classification: Likely benign for Hereditary cancer-predisposing syndrome. Last evaluated: 2017-02-21. Review status: criteria provided, single submitter. Criteria: ACMG Guidelines, 2015. Collection method: clinical testing. Allele origin: germline.

Ambry Genetics
Classification: Likely benign for Hereditary cancer-predisposing syndrome. Last evaluated: 2015-06-19. Review status: criteria provided, single submitter. Criteria: Ambry Variant Classification Scheme 2023. Collection method: clinical testing. Allele origin: germline.

NM_002878.4(RAD51D):c.51C>T (p.Ile17=)

Genes: RAD51L3-RFFL (RAD51L3-RFFL readthrough; minus strand), RAD51D (RAD51 paralog D; minus strand). Cytogenetic location: 17q12.
Variant type: single nucleotide variant.
Coding change: c.51C>T on transcript NM_002878.4 (MANE Select); coding-DNA position 51, C replaced by T.
Protein change: p.Ile17=; no amino-acid change (isoleucine 17 retained).
Molecular consequence: synonymous variant. On other transcripts: non-coding transcript variant (2).
Genome position (GRCh38, 1-based): chr17:35,119,563, G>A on the plus strand (C>T on the coding strand, the complement: RAD51D is on the minus strand). VCF-style: chr17-35119563-G-A. GRCh37 (hg19) VCF-style: chr17-33446582-G-A.
Other names: c.51C>T, p.Ile17= (NM_001142571.2, NM_133629.3).
Identifiers: ClinVar variation 232563 (VCV000232563.11), dbSNP rs769903986, ClinGen allele CA8499701.